The following is an entry in ClinVar:

NM_000368.5(TSC1):c.2178A>G (p.Ala726=)

Gene: TSC1 (TSC complex subunit 1; minus strand). Cytogenetic location: 9q34.13.
Variant type: single nucleotide variant.
Coding change: c.2178A>G on transcript NM_000368.5 (MANE Select); coding-DNA position 2178, A replaced by G.
Protein change: p.Ala726=; no amino-acid change (alanine 726 retained).
Molecular consequence: synonymous variant.
Genome position (GRCh38, 1-based): chr9:132,903,681, T>C on the plus strand (A>G on the coding strand, the complement: TSC1 is on the minus strand). VCF-style: chr9-132903681-T-C. GRCh37 (hg19) VCF-style: chr9-135779068-T-C.
Other names: c.2175A>G, p.Ala725= (NM_001162426.2); c.2025A>G, p.Ala675= (NM_001162427.2); c.1815A>G, p.Ala605= (NM_001362177.2).
Identifiers: ClinVar variation 757081 (VCV000757081.11), dbSNP rs1588303718, ClinGen allele CA467590671.
Genomic context (GRCh38, chr9:132,903,681, plus strand): 5'-AGCTCCACCTGTCCCCTCCCCAGTCCTCACCATGGCAGCATTATGTTCCTCCAGAGCTGC[T>C]GCTTTGATCACCTTGCGGAGGAGCCGCCTGTTCCGGAGGGCATGCTGCTGCCTCTTAAAA-3'
Protein context (NP_000359.1, residues 716-736): NRRLLRKVIK[Ala726=]AALEEHNAAM

ClinVar aggregate classification (germline): Benign/Likely benign. Review status: criteria provided, multiple submitters, no conflicts (2 of 4 stars). 3 submissions from 3 submitters: Benign (1); Likely benign (2). Last evaluated 2025-04-24.

Conditions:
Hereditary cancer-predisposing syndrome. Also called: Tumor predisposition; Hereditary Cancer Syndrome; Neoplastic Syndromes, Hereditary; Hereditary neoplastic syndrome. Identifiers: Orphanet 140162, MedGen C0027672, MeSH D009386, MONDO:0015356.
Tuberous sclerosis 1 (TSC1). Identifiers: Orphanet 805, MedGen C1854465, MONDO:0008612, OMIM 191100.

Submissions (3):

Myriad Genetics, Inc.
Classification: Benign for Tuberous sclerosis 1. Last evaluated: 2025-04-24. Review status: criteria provided, single submitter. Criteria: Myriad Autosomal Dominant, Autosomal Recessive and X-Linked Classification Criteria (2023). Collection method: clinical testing. Allele origin: unknown.
Comment: This variant is considered benign. This variant is a silent/synonymous amino acid change and it is not expected to impact splicing.

Labcorp Genetics (formerly Invitae), Labcorp
Classification: Likely benign for Tuberous sclerosis 1. Last evaluated: 2025-01-28. Review status: criteria provided, single submitter. Criteria: Invitae Variant Classification Sherloc (09022015). Collection method: clinical testing. Allele origin: germline.

Ambry Genetics
Classification: Likely benign for Hereditary cancer-predisposing syndrome. Last evaluated: 2023-04-13. Review status: criteria provided, single submitter. Criteria: Ambry Variant Classification Scheme 2023. Collection method: clinical testing. Allele origin: germline.